The following is an entry in ClinVar:

NM_004304.5(ALK):c.107C>A (p.Pro36Gln)

Gene: ALK (ALK receptor tyrosine kinase; minus strand). Cytogenetic location: 2p23.1.
Variant type: single nucleotide variant.
Coding change: c.107C>A on transcript NM_004304.5 (MANE Select); coding-DNA position 107, C replaced by A.
Protein change: p.Pro36Gln; replaces proline 36 with glutamine.
Molecular consequence: missense variant.
Genome position (GRCh38, 1-based): chr2:29,920,553, G>T on the plus strand (C>A on the coding strand, the complement: ALK is on the minus strand). VCF-style: chr2-29920553-G-T. GRCh37 (hg19) VCF-style: chr2-30143419-G-T.
Other names: short protein forms P36Q.
Identifiers: ClinVar variation 1061494 (VCV001061494.12), dbSNP rs773691688, ClinGen allele CA346590683.

ClinVar aggregate classification (germline): Conflicting classifications of pathogenicity. Review status: criteria provided, conflicting classifications (1 of 4 stars). 3 submissions from 3 submitters: Uncertain significance (2); Likely benign (1). Last evaluated 2025-10-10.

Conditions:
Hereditary cancer-predisposing syndrome. Also called: Tumor predisposition; Neoplastic Syndromes, Hereditary; Hereditary Cancer Syndrome; Hereditary neoplastic syndrome. Identifiers: Orphanet 140162, MedGen C0027672, MeSH D009386, MONDO:0015356.
Neuroblastoma, susceptibility to, 3. Also called: ALK-Related Neuroblastic Tumor Susceptibility. Identifiers: Orphanet 635, MedGen C2751681, MONDO:0013083, OMIM 613014.

Submissions (3):

Labcorp Genetics (formerly Invitae), Labcorp
Classification: Uncertain significance for Neuroblastoma, susceptibility to, 3. Last evaluated: 2025-10-10. Review status: criteria provided, single submitter. Criteria: Invitae Variant Classification Sherloc (09022015). Collection method: clinical testing. Allele origin: germline.
Comment: This sequence change replaces proline, which is neutral and non-polar, with glutamine, which is neutral and polar, at codon 36 of the ALK protein (p.Pro36Gln). This variant is not present in population databases (gnomAD no frequency). This variant has not been reported in the literature in individuals affected with ALK-related conditions. ClinVar contains an entry for this variant (Variation ID: 1061494). An algorithm developed to predict the effect of missense changes on protein structure and function outputs the following: PolyPhen-2: "Benign". The glutamine amino acid residue is found in multiple mammalian species, which suggests that this missense change does not adversely affect protein function. In summary, the available evidence is currently insufficient to determine the role of this variant in disease. Therefore, it has been classified as a Variant of Uncertain Significance.

Ambry Genetics
Classification: Likely benign for Hereditary cancer-predisposing syndrome. Last evaluated: 2025-01-11. Review status: criteria provided, single submitter. Criteria: Ambry Variant Classification Scheme 2023. Collection method: clinical testing. Allele origin: germline.

Institute for Clinical Genetics, University Hospital TU Dresden, University Hospital TU Dresden
Classification: Uncertain significance. Last evaluated: 2021-11-03. Review status: criteria provided, single submitter. Criteria: ACMG Guidelines, 2015. Collection method: clinical testing. Allele origin: germline.